The following is an entry in ClinVar:

NM_004655.4(AXIN2):c.923C>T (p.Thr308Met)

Gene: AXIN2 (axin 2; minus strand). Cytogenetic location: 17q24.1.
Variant type: single nucleotide variant.
Coding change: c.923C>T on transcript NM_004655.4 (MANE Select); coding-DNA position 923, C replaced by T.
Protein change: p.Thr308Met; replaces threonine 308 with methionine.
Molecular consequence: missense variant.
Genome position (GRCh38, 1-based): chr17:65,549,553, G>A on the plus strand (C>T on the coding strand, the complement: AXIN2 is on the minus strand). VCF-style: chr17-65549553-G-A. GRCh37 (hg19) VCF-style: chr17-63545671-G-A.
Other names: c.923C>T, p.Thr308Met (NM_001363813.1); c.923C>T (LRG_296t1); short protein forms T308M.
Identifiers: ClinVar variation 464647 (VCV000464647.13), dbSNP rs779083840, ClinGen allele CA8718942.

ClinVar aggregate classification (germline): Uncertain significance. Review status: criteria provided, multiple submitters, no conflicts (2 of 4 stars). 4 submissions from 4 submitters: Uncertain significance (4). Last evaluated 2025-04-09.

Conditions:
Hereditary cancer-predisposing syndrome. Also called: Neoplastic Syndromes, Hereditary; Tumor predisposition; Hereditary Cancer Syndrome; Hereditary neoplastic syndrome. Identifiers: Orphanet 140162, MedGen C0027672, MeSH D009386, MONDO:0015356.
Oligodontia-cancer predisposition syndrome. Also called: TOOTH AGENESIS-COLORECTAL CANCER SYNDROME. Identifiers: Orphanet 300576, MedGen C1837750, MONDO:0012075, OMIM 608615. Disease mechanism: loss of function.
AXIN2-related disorder.

Allele frequency attached by ClinVar (database versions not stated): TOPMed 0.00001; ExAC 0.00002; gnomAD exomes 0.00002 and 0.00006; gnomAD 0.00003.
gnomAD v4.1: 30 of 1,611,822 alleles (0.0019%); highest among the groups gnomAD compares: Middle Eastern, 0.016%; no homozygotes.

Submissions (4):

Ambry Genetics
Classification: Uncertain significance for Hereditary cancer-predisposing syndrome. Last evaluated: 2025-04-09. Review status: criteria provided, single submitter. Criteria: Ambry Variant Classification Scheme 2023. Collection method: clinical testing. Allele origin: germline.
Comment: The p.T308M variant (also known as c.923C>T), located in coding exon 2 of the AXIN2 gene, results from a C to T substitution at nucleotide position 923. The threonine at codon 308 is replaced by methionine, an amino acid with similar properties. This variant has also been reported in two individuals diagnosed with breast cancer before age 50 (Tervasm&auml;ki A et al. Int. J. Cancer, 2018 06;142:2286-2292). This amino acid position is highly conserved in available vertebrate species. In addition, this alteration is predicted to be deleterious by in silico analysis. Based on the available evidence, the clinical significance of this variant remains unclear.

Labcorp Genetics (formerly Invitae), Labcorp
Classification: Uncertain significance for Oligodontia-cancer predisposition syndrome. Last evaluated: 2025-02-02. Review status: criteria provided, single submitter. Criteria: Invitae Variant Classification Sherloc (09022015). Collection method: clinical testing. Allele origin: germline.
Comment: This sequence change replaces threonine, which is neutral and polar, with methionine, which is neutral and non-polar, at codon 308 of the AXIN2 protein (p.Thr308Met). This variant is present in population databases (rs779083840, gnomAD 0.06%), and has an allele count higher than expected for a pathogenic variant. This missense change has been observed in individual(s) with non-syndromic oligodontia (PMID: 24581859). In at least one individual the variant was observed to be de novo. ClinVar contains an entry for this variant (Variation ID: 464647). An algorithm developed to predict the effect of missense changes on protein structure and function (PolyPhen-2) suggests that this variant is likely to be disruptive. In summary, the available evidence is currently insufficient to determine the role of this variant in disease. Therefore, it has been classified as a Variant of Uncertain Significance.

PreventionGenetics, part of Exact Sciences
Classification: Uncertain significance for AXIN2-related condition. Last evaluated: 2023-03-08. Review status: criteria provided, single submitter. Criteria: ACMG Guidelines, 2015. Collection method: clinical testing. Allele origin: germline.
Comment: The AXIN2 c.923C>T variant is predicted to result in the amino acid substitution p.Thr308Met. This variant has been reported de novo in an individual with non-syndromic oligodontia (Wong et al. 2014. PubMed ID: 24581859). This variant has also been reported in 2 unrelated individuals with breast cancer and a family history of gastric, uterine, and breast cancer (Table S1, Tervasmäki et al. 2018. PubMed ID: 29341116). This variant is reported in 0.057% of alleles in individuals of European (Finnish) descent in gnomAD and is interpreted as uncertain significance. At this time, the clinical significance of this variant is uncertain due to the absence of conclusive functional and genetic evidence.

Sema4
Classification: Uncertain significance for Hereditary cancer-predisposing syndrome. Last evaluated: 2021-11-02. Review status: criteria provided, single submitter. Criteria: Sema4 Curation Guidelines. Collection method: curation. Allele origin: germline.
Comment: The AXIN2 c.923C>T (p.T308M) variant has been reporetd in heterozygosity in one individual with non-syndromic oligodontia (PMID: 24581859). It was observed in 14/24750 chromosomes of the Finnish subpopulation, with no homozygotes, in the large and broad cohorts of the Genome Aggregation Database (PMID: 32461654). This variant has been reported in ClinVar (Variation ID 464647). In silico tools suggest the impact of the variant on protein function is deleterious, though these predictions have not been confirmed by functional studies. The evidence is insufficient to meet ACMG/AMP criteria for classifying the variant as benign or pathogenic. Thus, the clinical significance of this variant is currently uncertain.

Literature cited by the submitters: PubMed 24581859 (cited by 3 submitters); PubMed 29341116 (cited by Ambry Genetics).